The following is an entry in ClinVar:

ClinVar aggregate classification (germline): Uncertain significance. Review status: criteria provided, multiple submitters, no conflicts (2 of 4 stars). 2 submissions from 2 submitters: Uncertain significance (2). Last evaluated 2023-06-15.

Conditions:
Charcot-Marie-Tooth disease type 2. Also called: Charcot-Marie-Tooth type 2. Identifiers: Orphanet 64746, MedGen C0270914, MONDO:0018993.

Allele frequency attached by ClinVar (database versions not stated): gnomAD exomes below 0.00001.
gnomAD v4.1: 3 of 1,613,952 alleles (0.00019%); highest among the groups gnomAD compares: Non-Finnish European, 0.00025%; no homozygotes.

Submissions (2):

Labcorp Genetics (formerly Invitae), Labcorp
Classification: Uncertain significance for Charcot-Marie-Tooth disease type 2. Last evaluated: 2023-06-15. Review status: criteria provided, single submitter. Criteria: Invitae Variant Classification Sherloc (09022015). Collection method: clinical testing. Allele origin: germline.
Comment: This sequence change replaces isoleucine, which is neutral and non-polar, with valine, which is neutral and non-polar, at codon 27 of the KIF1B protein (p.Ile27Val). This variant is not present in population databases (gnomAD no frequency). This variant has not been reported in the literature in individuals affected with KIF1B-related conditions. Advanced modeling of protein sequence and biophysical properties (such as structural, functional, and spatial information, amino acid conservation, physicochemical variation, residue mobility, and thermodynamic stability) performed at Invitae indicates that this missense variant is not expected to disrupt KIF1B protein function. In summary, the available evidence is currently insufficient to determine the role of this variant in disease. Therefore, it has been classified as a Variant of Uncertain Significance.

Ambry Genetics
Classification: Uncertain significance. Last evaluated: 2023-03-27. Review status: criteria provided, single submitter. Criteria: Ambry Variant Classification Scheme 2023. Collection method: clinical testing. Allele origin: germline.
Comment: The p.I27V variant (also known as c.79A>G), located in coding exon 1 of the KIF1B gene, results from an A to G substitution at nucleotide position 79. The isoleucine at codon 27 is replaced by valine, an amino acid with highly similar properties. This amino acid position is highly conserved in available vertebrate species. In addition, the in silico prediction for this alteration is inconclusive. The evidence for this gene-disease relationship is limited; therefore, the clinical significance of this alteration is unclear.

NM_001365951.3(KIF1B):c.79A>G (p.Ile27Val)

Genes: KIF1B (kinesin family member 1B; plus strand), LOC129388446 (MPRA-validated peak64 silencer; plus strand). Cytogenetic location: 1p36.22.
Variant type: single nucleotide variant.
Coding change: c.79A>G on transcript NM_001365951.3 (MANE Select); coding-DNA position 79, A replaced by G.
Protein change: p.Ile27Val; replaces isoleucine 27 with valine.
Molecular consequence: missense variant.
Genome position (GRCh38, 1-based): chr1:10,232,407, A>G. VCF-style: chr1-10232407-A-G. GRCh37 (hg19) VCF-style: chr1-10292465-A-G.
Other names: c.79A>G, p.Ile27Val (NM_001365952.1, NM_001365953.1, NM_015074.3 and 1 more transcripts); short protein forms I27V.
Identifiers: ClinVar variation 2561707 (VCV002561707.5), dbSNP rs2523352991, ClinGen allele CA338316374.